The following is an entry in ClinVar:

ClinVar aggregate classification (germline): Pathogenic/Likely pathogenic. Review status: criteria provided, multiple submitters, no conflicts (2 of 4 stars). 9 submissions from 9 submitters: Pathogenic (8); Likely pathogenic (1). Last evaluated 2026-01-08.

Conditions:
Hereditary cancer-predisposing syndrome. Also called: Tumor predisposition; Hereditary neoplastic syndrome; Hereditary Cancer Syndrome; Neoplastic Syndromes, Hereditary. Identifiers: Orphanet 140162, MedGen C0027672, MeSH D009386, MONDO:0015356.
Ataxia-telangiectasia syndrome (AT). Also called: LOUIS-BAR SYNDROME; Ataxia-telangiectasia, complementation group E; Ataxia telangiectasia (A-T); Cerebello-oculocutaneous telangiectasia; Immunodeficiency with ataxia telangiectasia; Ataxia-telangiectasia, complementation group D. Identifiers: Orphanet 100, MedGen C0004135, MONDO:0008840, OMIM 208900.
Familial cancer of breast. Also called: hereditary breast carcinoma; BREAST CANCER, FAMILIAL; Hereditary breast cancer. Identifiers: Orphanet 227535, MedGen C0346153, MONDO:0016419, OMIM 114480. Disease mechanism: loss of function.

Submissions (9):

Labcorp Genetics (formerly Invitae), Labcorp
Classification: Pathogenic for Ataxia-telangiectasia syndrome. Last evaluated: 2026-01-08. Review status: criteria provided, single submitter. Criteria: Invitae Variant Classification Sherloc (09022015). Collection method: clinical testing. Allele origin: germline.
Comment: This sequence change creates a premature translational stop signal (p.Pro1069Leufs*2) in the ATM gene. It is expected to result in an absent or disrupted protein product. Loss-of-function variants in ATM are known to be pathogenic (PMID: 23807571, 25614872). This variant is not present in population databases (gnomAD no frequency). This variant has not been reported in the literature in individuals affected with ATM-related conditions. ClinVar contains an entry for this variant (Variation ID: 407680). For these reasons, this variant has been classified as Pathogenic.

Women's Health and Genetics/Laboratory Corporation of America, LabCorp
Classification: Pathogenic for Ataxia-telangiectasia syndrome. Last evaluated: 2025-07-28. Review status: criteria provided, single submitter. Criteria: LabCorp Variant Classification Summary - May 2015. Collection method: clinical testing. Allele origin: germline.
Comment: Variant summary: ATM c.3206delC (p.Pro1069LeufsX2) results in a premature termination codon, predicted to cause a truncation of the encoded protein or absence of the protein due to nonsense mediated decay, which are commonly known mechanisms for disease. The variant was absent in 251344 control chromosomes. c.3206delC has been observed in individual(s) affected with Ataxia-telangiectasia syndrome (Bakhtiar_2018). To our knowledge, no experimental evidence demonstrating an impact on protein function has been reported. The following publication have been ascertained in the context of this evaluation (PMID: 30420857). ClinVar contains an entry for this variant (Variation ID: 407680). Based on the evidence outlined above, the variant was classified as pathogenic.

Natera, Inc.
Classification: Pathogenic for Ataxia-telangiectasia. Last evaluated: 2024-08-19. Review status: criteria provided, single submitter. Criteria: Natera Variant Classification Schema (03/2026). Collection method: clinical testing. Allele origin: germline.
Comment: The c.3206delC variant in ATM is a frameshift variant predicted to shift the reading frame beginning at codon 1069 and leads to a stop codon 2 codons downstream. This variant is expected to result in nonsense mediated decay, truncation, or a dysfunctional protein product. This variant is rare in the general population with a frequency below the threshold expected for the associated phenotype(s). This variant has been observed in one or more individuals affected with the associated recessive disease, as either homozygous or compound heterozygous with a second variant (PMID: 34199532). Given the available evidence, this variant is classified as Pathogenic.

Myriad Genetics, Inc.
Classification: Pathogenic for Familial cancer of breast. Last evaluated: 2024-01-19. Review status: criteria provided, single submitter. Criteria: Myriad Autosomal Dominant, Autosomal Recessive and X-Linked Classification Criteria (2023). Collection method: clinical testing. Allele origin: unknown.
Comment: This variant is considered pathogenic. This variant creates a frameshift predicted to result in premature protein truncation.

Ambry Genetics
Classification: Pathogenic for Hereditary cancer-predisposing syndrome. Last evaluated: 2023-05-30. Review status: criteria provided, single submitter. Criteria: Ambry Variant Classification Scheme 2023. Collection method: clinical testing. Allele origin: germline.
Comment: The c.3206delC pathogenic mutation, located in coding exon 21 of the ATM gene, results from a deletion of one nucleotide at nucleotide position 3206, causing a translational frameshift with a predicted alternate stop codon (p.P1069Lfs*2). This alteration is expected to result in loss of function by premature protein truncation or nonsense-mediated mRNA decay. As such, this alteration is interpreted as a disease-causing mutation.

Baylor Genetics
Classification: Likely pathogenic for Familial cancer of breast. Last evaluated: 2022-11-24. Review status: criteria provided, single submitter. Criteria: ACMG Guidelines, 2015. Collection method: clinical testing. Allele origin: unknown.

Color Diagnostics, LLC DBA Color Health
Classification: Pathogenic for Hereditary cancer-predisposing syndrome. Last evaluated: 2021-06-01. Review status: criteria provided, single submitter. Criteria: ACMG Guidelines, 2015. Collection method: clinical testing. Allele origin: germline.
Comment: This variant deletes 1 nucleotide in exon 22 of the ATM gene, creating a frameshift and premature translation stop signal. This variant is expected to result in an absent or non-functional protein product. To our knowledge, this variant has not been reported in individuals affected with hereditary cancer in the literature. This variant has not been identified in the general population by the Genome Aggregation Database (gnomAD). Loss of ATM function is a known mechanism of disease. Based on the available evidence, this variant is classified as Pathogenic.

CeGaT Center for Human Genetics Tuebingen
Classification: Pathogenic. Last evaluated: 2019-11-01. Review status: criteria provided, single submitter. Criteria: CeGaT Center For Human Genetics Tuebingen Variant Classification Criteria Version 2. Collection method: clinical testing. Allele origin: germline. Affected: yes. Observed: 4 variant alleles.

GeneDx
Classification: Pathogenic. Last evaluated: 2019-07-11. Review status: criteria provided, single submitter. Criteria: GeneDx Variant Classification Process June 2021. Collection method: clinical testing. Allele origin: germline. Affected: yes.
Comment: Frameshift variant predicted to result in protein truncation or nonsense mediated decay in a gene for which loss-of-function is a known mechanism of disease; Not observed in large population cohorts (Lek 2016); This variant is associated with the following publications: (PMID: 30420857)

Literature cited by the submitters: PubMed 23807571 (cited by Labcorp Genetics (formerly Invitae), Labcorp); PubMed 25614872 (cited by Labcorp Genetics (formerly Invitae), Labcorp); PubMed 30420857 (cited by Women's Health and Genetics/Laboratory Corporation of America, LabCorp); PubMed 34199532 (cited by Natera, Inc.).

NM_000051.4(ATM):c.3206del (p.Pro1069fs)

Gene: ATM (ATM serine/threonine kinase; plus strand). Cytogenetic location: 11q22.3.
Variant type: Deletion.
Coding change: c.3206del on transcript NM_000051.4 (MANE Select); coding-DNA position 3206, one base deleted (C; older notation c.3206delC).
Protein change: p.Pro1069fs; shifts the reading frame from proline 1069.
Molecular consequence: frameshift variant.
Genome position (GRCh38, 1-based): chr11:108,272,774, C deleted; the last of 2 consecutive C bases (chr11:108,272,773-108,272,774); deleting either gives the same sequence. VCF-style (leftmost placement, unchanged base first): chr11-108272772-TC-T. GRCh37 (hg19) VCF-style: chr11-108143499-TC-T.
Other names: c.3206delC (NM_000051.4, NM_000051.3); c.3206del, p.Pro1069fs (NM_001351834.2); short protein forms P1069fs.
Identifiers: ClinVar variation 407680 (VCV000407680.63), dbSNP rs1060501677, ClinGen allele CA16613398.